The following is an entry in ClinVar:

NM_002658.6(PLAU):c.43G>T (p.Val15Leu)

Genes: C10orf55 (chromosome 10 putative open reading frame 55; minus strand), PLAU (plasminogen activator, urokinase; plus strand), LOC130004104 (ATAC-STARR-seq lymphoblastoid silent region 2495; plus strand). Cytogenetic location: 10q22.2.
Variant type: single nucleotide variant.
Coding change: c.43G>T on transcript NM_002658.6 (MANE Select); coding-DNA position 43, G replaced by T.
Protein change: p.Val15Leu; replaces valine 15 with leucine.
Molecular consequence: missense variant. On other transcripts: non-coding transcript variant (2), 5 prime UTR variant (2).
Genome position (GRCh38, 1-based): chr10:73,911,598, G>T. VCF-style: chr10-73911598-G-T. GRCh37 (hg19) VCF-style: chr10-75671356-G-T.
Other names: p.Val15Leu; c.-294G>T (NM_001145031.3); c.-188G>T (NM_001319191.2); c.43G>T (NM_002658.5); short protein forms V15L.
Identifiers: ClinVar variation 300740 (VCV000300740.7), dbSNP rs2227580, ClinGen allele CA5562231.
Genomic context (GRCh38, chr10:73,911,598, plus strand): 5'-CGCCCCGACCTCGCCACCATGAGAGCCCTGCTGGCGCGCCTGCTTCTCTGCGTCCTGGTC[G>T]TGAGCGACTCCAAAGTGAGTGCGCTCTTGCTTTGACTGATGCTGCCCAAGGACCTCTGAT-3'
Protein context (NP_002649.2, residues 5-25): LARLLLCVLV[Val15Leu]SDSKGSNELH

ClinVar aggregate classification (germline): Benign. Review status: criteria provided, multiple submitters, no conflicts (2 of 4 stars). 3 submissions from 3 submitters: Benign (3). Last evaluated 2023-08-23.

Conditions:
Quebec platelet disorder (QPD). Also called: FACTOR V QUEBEC; BLEEDING DISORDER, PLATELET-TYPE, 5. Identifiers: Orphanet 220436, MedGen C1866423, MONDO:0011136, OMIM 601709.

Allele frequency attached by ClinVar (database versions not stated): 1000 Genomes Project 30x 0.00687; 1000 Genomes Project 0.00739; ESP Exome Variant Server 0.00777; TOPMed 0.00662.
gnomAD v4.1: 13,877 of 1,613,832 alleles (0.86%); highest among the groups gnomAD compares: Middle Eastern, 5%; 139 homozygotes.

Submissions (3):

Mayo Clinic Laboratories, Mayo Clinic
Classification: Benign. Last evaluated: 2023-08-23. Review status: criteria provided, single submitter. Criteria: ACMG Guidelines, 2015. Collection method: clinical testing. Allele origin: germline. Observed: 33 variant alleles.
Comment: BS1, BS2, BP4, PM1_supporting

Illumina Laboratory Services, Illumina
Classification: Benign for Quebec platelet disorder. Last evaluated: 2018-01-12. Review status: criteria provided, single submitter. Criteria: ICSL Variant Classification Criteria 13 December 2019. Collection method: clinical testing. Allele origin: germline.
Comment: This variant was observed in the ICSL laboratory as part of a predisposition screen in an ostensibly healthy population. It had not been previously curated by ICSL or reported in the Human Gene Mutation Database (HGMD: prior to June 1st, 2018), and was therefore a candidate for classification through an automated scoring system. Utilizing variant allele frequency, disease prevalence and penetrance estimates, and inheritance mode, an automated score was calculated to assess if this variant is too frequent to cause the disease. Based on the score and internal cut-off values, a variant classified as benign is not then subjected to further curation. The score for this variant resulted in a classification of benign for this disease.

Breakthrough Genomics
Classification: Benign. Review status: criteria provided, single submitter. Criteria: ACMG Guidelines, 2015. Collection method: not provided. Allele origin: germline. Inheritance: Autosomal dominant inheritance. Affected: yes.